The following is an entry in ClinVar:

NM_001101362.3(KBTBD13):c.798A>G (p.Glu266=)

Gene: KBTBD13 (kelch repeat and BTB domain containing 13; plus strand). Cytogenetic location: 15q22.31.
Variant type: single nucleotide variant.
Coding change: c.798A>G on transcript NM_001101362.3 (MANE Select); coding-DNA position 798, A replaced by G.
Protein change: p.Glu266=; no amino-acid change (glutamic acid 266 retained).
Molecular consequence: synonymous variant.
Genome position (GRCh38, 1-based): chr15:65,077,613, A>G. VCF-style: chr15-65077613-A-G. GRCh37 (hg19) VCF-style: chr15-65369951-A-G.
Other names: p.Glu266=.
Identifiers: ClinVar variation 129311 (VCV000129311.28), dbSNP rs2919359, ClinGen allele CA153249.

ClinVar aggregate classification (germline): Benign. Review status: criteria provided, multiple submitters, no conflicts (2 of 4 stars). 11 submissions from 11 submitters: Benign (9). 2 of the submissions do not count toward it. Last evaluated 2026-02-04.

Conditions:
Nemaline myopathy 6 (NEM6). Also called: Nemaline myopathy 6, autosomal dominant. Identifiers: Orphanet 171439, MedGen C1836472, MONDO:0012237, OMIM 609273.

Allele frequency attached by ClinVar (database versions not stated): gnomAD exomes 0.85683 and 0.87380; gnomAD 0.86820 and 0.86998; TOPMed 0.87518; ESP Exome Variant Server 0.88046; ExAC 0.88529; 1000 Genomes Project 30x 0.90100; 1000 Genomes Project 0.90375.

Submissions (11):

Labcorp Genetics (formerly Invitae), Labcorp
Classification: Benign for Nemaline myopathy 6. Last evaluated: 2026-02-04. Review status: criteria provided, single submitter. Criteria: Invitae Variant Classification Sherloc (09022015). Collection method: clinical testing. Allele origin: germline.

Genome-Nilou Lab
Classification: Benign for Nemaline myopathy 6. Last evaluated: 2021-08-19. Review status: criteria provided, single submitter. Criteria: ACMG Guidelines, 2015. Collection method: clinical testing. Allele origin: germline. Affected: no.

Mendelics
Classification: Benign for Nemaline myopathy 6. Last evaluated: 2019-05-28. Review status: criteria provided, single submitter. Criteria: Mendelics Assertion Criteria 2017. Collection method: clinical testing. Allele origin: unknown.

Illumina Laboratory Services, Illumina
Classification: Benign for Nemaline myopathy 6. Last evaluated: 2018-01-12. Review status: criteria provided, single submitter. Criteria: ICSL Variant Classification Criteria 13 December 2019. Collection method: clinical testing. Allele origin: germline.
Comment: This variant was observed in the ICSL laboratory as part of a predisposition screen in an ostensibly healthy population. It had not been previously curated by ICSL or reported in the Human Gene Mutation Database (HGMD: prior to June 1st, 2018), and was therefore a candidate for classification through an automated scoring system. Utilizing variant allele frequency, disease prevalence and penetrance estimates, and inheritance mode, an automated score was calculated to assess if this variant is too frequent to cause the disease. Based on the score and internal cut-off values, a variant classified as benign is not then subjected to further curation. The score for this variant resulted in a classification of benign for this disease.

Mayo Clinic Laboratories, Mayo Clinic
Classification: Benign. Last evaluated: 2017-07-19. Review status: criteria provided, single submitter. Criteria: ACMG Guidelines, 2015. Collection method: clinical testing. Allele origin: germline. Observed: 455 variant alleles.

GeneDx
Classification: Benign. Last evaluated: 2016-01-05. Review status: criteria provided, single submitter. Criteria: GeneDx Variant Classification (06012015). Collection method: clinical testing. Allele origin: germline. Affected: yes.
Comment: This variant is considered likely benign or benign based on one or more of the following criteria: it is a conservative change, it occurs at a poorly conserved position in the protein, it is predicted to be benign by multiple in silico algorithms, and/or has population frequency not consistent with disease.

Genetic Services Laboratory, University of Chicago
Classification: Benign for AllHighlyPenetrant. Last evaluated: 2014-02-17. Review status: criteria provided, single submitter. Criteria: ACMG Guidelines, 2007. Collection method: clinical testing. Allele origin: germline. Inheritance: Autosomal dominant inheritance.

Breakthrough Genomics
Classification: Benign. Review status: criteria provided, single submitter. Criteria: ACMG Guidelines, 2015. Collection method: not provided. Allele origin: germline. Inheritance: Autosomal dominant inheritance. Affected: yes.

PreventionGenetics, part of Exact Sciences
Classification: Benign. Review status: criteria provided, single submitter. Criteria: ACMG Guidelines, 2015. Collection method: clinical testing. Allele origin: germline.

Diagnostic Laboratory, Department of Genetics, University Medical Center Groningen
Classification: Benign. Review status: no assertion criteria provided. Collection method: clinical testing. Allele origin: germline. Affected: yes. Study: VKGL Data-share Consensus. Not counted in ClinVar's aggregate classification.

Joint Genome Diagnostic Labs from Nijmegen and Maastricht, Radboudumc and MUMC+
Classification: Benign. Review status: no assertion criteria provided. Collection method: clinical testing. Allele origin: germline. Affected: yes. Study: VKGL Data-share Consensus. Not counted in ClinVar's aggregate classification.